The following is an entry in ClinVar:

ClinVar aggregate classification (germline): Uncertain significance. Review status: criteria provided, multiple submitters, no conflicts (2 of 4 stars). 2 submissions from 2 submitters: Uncertain significance (2). Last evaluated 2023-11-10.

Allele frequency attached by ClinVar (database versions not stated): gnomAD exomes below 0.00001; TOPMed below 0.00001; gnomAD 0.00001.
gnomAD v4.1: 3 of 1,613,908 alleles (0.00019%); highest among the groups gnomAD compares: Non-Finnish European, 0.00025%; no homozygotes.

Submissions (2):

Blueprint Genetics
Classification: Uncertain significance. Last evaluated: 2023-11-10. Review status: criteria provided, single submitter. Criteria: ACMG Guidelines, 2015. Collection method: clinical testing. Allele origin: germline.

Labcorp Genetics (formerly Invitae), Labcorp
Classification: Uncertain significance. Last evaluated: 2021-02-17. Review status: criteria provided, single submitter. Criteria: Invitae Variant Classification Sherloc (09022015). Collection method: clinical testing. Allele origin: germline.
Comment: In summary, the available evidence is currently insufficient to determine the role of this variant in disease. Therefore, it has been classified as a Variant of Uncertain Significance. Algorithms developed to predict the effect of missense changes on protein structure and function output the following: SIFT: "Deleterious"; PolyPhen-2: "Benign"; Align-GVGD: "Class C0". The asparagine amino acid residue is found in multiple mammalian species, suggesting that this missense change does not adversely affect protein function. These predictions have not been confirmed by published functional studies and their clinical significance is uncertain. This variant has not been reported in the literature in individuals with OTULIN-related conditions. This variant is not present in population databases (ExAC no frequency). This sequence change replaces lysine with asparagine at codon 187 of the OTULIN protein (p.Lys187Asn). The lysine residue is moderately conserved and there is a moderate physicochemical difference between lysine and asparagine.

NM_138348.6(OTULIN):c.561A>T (p.Lys187Asn)

Gene: OTULIN (OTU deubiquitinase with linear linkage specificity; plus strand). Cytogenetic location: 5p15.2.
Variant type: single nucleotide variant.
Coding change: c.561A>T on transcript NM_138348.6 (MANE Select); coding-DNA position 561, A replaced by T.
Protein change: p.Lys187Asn; replaces lysine 187 with asparagine.
Molecular consequence: missense variant.
Genome position (GRCh38, 1-based): chr5:14,687,613, A>T. VCF-style: chr5-14687613-A-T. GRCh37 (hg19) VCF-style: chr5-14687722-A-T.
Other names: short protein forms K187N.
Identifiers: ClinVar variation 1511305 (VCV001511305.7), dbSNP rs927749469, ClinGen allele CA114012228.